The following is an entry in ClinVar:

NM_003705.5(SLC25A12):c.1811G>T (p.Trp604Leu)

Gene: SLC25A12 (solute carrier family 25 member 12; minus strand). Cytogenetic location: 2q31.1.
Variant type: single nucleotide variant.
Coding change: c.1811G>T on transcript NM_003705.5 (MANE Select); coding-DNA position 1811, G replaced by T.
Protein change: p.Trp604Leu; replaces tryptophan 604 with leucine.
Molecular consequence: missense variant. On other transcripts: non-coding transcript variant (1).
Genome position (GRCh38, 1-based): chr2:171,787,595, C>A on the plus strand (G>T on the coding strand, the complement: SLC25A12 is on the minus strand). VCF-style: chr2-171787595-C-A. GRCh37 (hg19) VCF-style: chr2-172644105-C-A.
Other names: short protein forms W604L.
Identifiers: ClinVar variation 844973 (VCV000844973.9), dbSNP rs1446490780, ClinGen allele CA349287514.
Genomic context (GRCh38, chr2:171,787,595, plus strand): 5'-TGATTTCTTTGTAAAGGAGTTGAGCAGCTGACTTACAGGCCTCCAAAATCAATGTAAAAC[C>A]ACCGCTGGAGAAGTTCATAAGTGACCAAGGTAACACCAAACTGGGGAGAGGATCGAAACA-3'
Protein context (NP_003696.2, residues 594-614): TLVTYELLQR[Trp604Leu]FYIDFGGLKP

ClinVar aggregate classification (germline): Uncertain significance (1 of 4 stars; one submission).

Allele frequency attached by ClinVar (database versions not stated): TOPMed below 0.00001.

Submission:

Labcorp Genetics (formerly Invitae), Labcorp
Classification: Uncertain significance. Last evaluated: 2023-08-10. Review status: criteria provided, single submitter. Criteria: Invitae Variant Classification Sherloc (09022015). Collection method: clinical testing. Allele origin: germline.
Comment: In summary, the available evidence is currently insufficient to determine the role of this variant in disease. Therefore, it has been classified as a Variant of Uncertain Significance. Advanced modeling of protein sequence and biophysical properties (such as structural, functional, and spatial information, amino acid conservation, physicochemical variation, residue mobility, and thermodynamic stability) performed at Invitae indicates that this missense variant is not expected to disrupt SLC25A12 protein function. ClinVar contains an entry for this variant (Variation ID: 844973). This variant has not been reported in the literature in individuals affected with SLC25A12-related conditions. This variant is not present in population databases (gnomAD no frequency). This sequence change replaces tryptophan, which is neutral and slightly polar, with leucine, which is neutral and non-polar, at codon 604 of the SLC25A12 protein (p.Trp604Leu).